The following is an entry in ClinVar:

ClinVar aggregate classification (germline): Uncertain significance (1 of 4 stars; one submission).

Conditions:
Cardiovascular phenotype. Identifiers: MedGen CN230736.
Hereditary cancer-predisposing syndrome. Also called: Tumor predisposition; Neoplastic Syndromes, Hereditary; Hereditary neoplastic syndrome; Hereditary Cancer Syndrome. Identifiers: Orphanet 140162, MedGen C0027672, MeSH D009386, MONDO:0015356.

Submission:

Ambry Genetics
Classification: Uncertain significance for Cardiovascular phenotype; Hereditary cancer-predisposing syndrome. Last evaluated: 2025-08-07. Review status: criteria provided, single submitter. Criteria: Ambry Variant Classification Scheme 2023. Collection method: clinical testing. Allele origin: germline.
Comment: The p.I167V variant (also known as c.499A>G), located in coding exon 5 of the LZTR1 gene, results from an A to G substitution at nucleotide position 499. The isoleucine at codon 167 is replaced by valine, an amino acid with highly similar properties. This amino acid position is conserved. In addition, this alteration is predicted to be tolerated by in silico analysis. Based on the available evidence, the clinical significance of this variant remains unclear.

NM_006767.4(LZTR1):c.499A>G (p.Ile167Val)

Gene: LZTR1 (leucine zipper like post translational regulator 1; plus strand). Cytogenetic location: 22q11.21.
Variant type: single nucleotide variant.
Coding change: c.499A>G on transcript NM_006767.4 (MANE Select); coding-DNA position 499, A replaced by G.
Protein change: p.Ile167Val; replaces isoleucine 167 with valine.
Molecular consequence: missense variant.
Genome position (GRCh38, 1-based): chr22:20,988,108, A>G. VCF-style: chr22-20988108-A-G. GRCh37 (hg19) VCF-style: chr22-21342397-A-G.
Other names: short protein forms I167V.
Identifiers: ClinVar variation 4101916 (VCV004101916.1).